The following is an entry in ClinVar:

ClinVar aggregate classification (germline): Uncertain significance. Review status: criteria provided, multiple submitters, no conflicts (2 of 4 stars). 2 submissions from 2 submitters: Uncertain significance (2). Last evaluated 2022-07-06.

Allele frequency attached by ClinVar (database versions not stated): TOPMed below 0.00001.

Submissions (2):

Labcorp Genetics (formerly Invitae), Labcorp
Classification: Uncertain significance. Last evaluated: 2022-07-06. Review status: criteria provided, single submitter. Criteria: Invitae Variant Classification Sherloc (09022015). Collection method: clinical testing. Allele origin: germline.
Comment: This variant is not present in population databases (gnomAD no frequency). This sequence change replaces alanine, which is neutral and non-polar, with valine, which is neutral and non-polar, at codon 43 of the ADIPOR1 protein (p.Ala43Val). In summary, the available evidence is currently insufficient to determine the role of this variant in disease. Therefore, it has been classified as a Variant of Uncertain Significance. Algorithms developed to predict the effect of missense changes on protein structure and function are either unavailable or do not agree on the potential impact of this missense change (SIFT: "Deleterious"; PolyPhen-2: "Benign"; Align-GVGD: "Class C0"). ClinVar contains an entry for this variant (Variation ID: 1040436). This variant has not been reported in the literature in individuals affected with ADIPOR1-related conditions.

Blueprint Genetics
Classification: Uncertain significance. Last evaluated: 2021-11-04. Review status: criteria provided, single submitter. Criteria: ACMG Guidelines, 2015. Collection method: clinical testing. Allele origin: germline.

NM_015999.6(ADIPOR1):c.128C>T (p.Ala43Val)

Gene: ADIPOR1 (adiponectin receptor 1; minus strand). Cytogenetic location: 1q32.1.
Variant type: single nucleotide variant.
Coding change: c.128C>T on transcript NM_015999.6 (MANE Select); coding-DNA position 128, C replaced by T.
Protein change: p.Ala43Val; replaces alanine 43 with valine.
Molecular consequence: missense variant.
Genome position (GRCh38, 1-based): chr1:202,950,943, G>A on the plus strand (C>T on the coding strand, the complement: ADIPOR1 is on the minus strand). VCF-style: chr1-202950943-G-A. GRCh37 (hg19) VCF-style: chr1-202920071-G-A.
Other names: c.128C>T, p.Ala43Val (NM_001290553.2, NM_001290557.1, NM_001290629.1); short protein forms A43V.
Identifiers: ClinVar variation 1040436 (VCV001040436.9), dbSNP rs1352332556, ClinGen allele CA344284620.
Genomic context (GRCh38, chr1:202,950,943, plus strand): 5'-AAGGAGAGAAACTGAACAAGGGGATGACTCCTGGGAAGATGACTTACTTTGGGTGGGTTG[G>A]CGATTACCCGTTTGCCCTTCTCTTCTAGCAGGGGTCCCAGTTCAGCCAGTTCCACCGTGT-3'
Protein context (NP_057083.2, residues 33-53): LLEEKGKRVI[Ala43Val]NPPKAEEEQT